The following is an entry in ClinVar:

NM_001040443.3(PHF11):c.420C>T (p.Asp140=)

Genes: PHF11 (PHD finger protein 11; plus strand), SETDB2-PHF11 (SETDB2-PHF11 readthrough; plus strand). Cytogenetic location: 13q14.2.
Variant type: single nucleotide variant.
Coding change: c.420C>T on transcript NM_001040443.3 (MANE Select); coding-DNA position 420, C replaced by T.
Protein change: p.Asp140=; no amino-acid change (aspartic acid 140 retained).
Molecular consequence: synonymous variant. On other transcripts: non-coding transcript variant (3).
Genome position (GRCh38, 1-based): chr13:49,518,113, C>T. VCF-style: chr13-49518113-C-T. GRCh37 (hg19) VCF-style: chr13-50092249-C-T.
Other names: c.1902C>T, p.Asp634= (NM_001320727.2); c.303C>T, p.Asp101= (NM_001040444.3, NM_001419873.1, NM_001419874.1 and 2 more transcripts).
Identifiers: ClinVar variation 3043542 (VCV003043542.2), dbSNP rs150136839, ClinGen allele CA6982294.
Genomic context (GRCh38, chr13:49,518,113, plus strand): 5'-GGGATGTGATTTAAAAAACTGTAACAAGAATTACCACTTTTTCTGTGCCAAGAAGGACGA[C>T]GCAGTTCCACAGTCTGATGGAGTTCGAGGAATTTATAAGTATTTAATAAAACATTTTTAA-3'
Protein context (NP_001035533.1, residues 130-150): NYHFFCAKKD[Asp140=]AVPQSDGVRG

ClinVar aggregate classification (germline): Likely benign (0 of 4 stars; one submission).

Conditions:
PHF11-related disorder. Also called: PHF11-related condition.

Allele frequency attached by ClinVar (database versions not stated): ExAC 0.00021; gnomAD exomes 0.00025; 1000 Genomes Project 0.00060; gnomAD 0.00060; ESP Exome Variant Server 0.00069; TOPMed 0.00072; 1000 Genomes Project 30x 0.00094.
gnomAD v4.1: 474 of 1,607,810 alleles (0.029%); highest among the groups gnomAD compares: Middle Eastern, 0.18%; no homozygotes.

Submission:

PreventionGenetics, part of Exact Sciences
Classification: Likely benign for PHF11-related condition. Last evaluated: 2019-06-20. Review status: no assertion criteria provided. Collection method: clinical testing. Allele origin: germline.
Comment: This variant is classified as likely benign based on ACMG/AMP sequence variant interpretation guidelines (Richards et al. 2015 PMID: 25741868, with internal and published modifications).